The following is an entry in ClinVar:

ClinVar aggregate classification (germline): Uncertain significance (1 of 4 stars; one submission).

Allele frequency attached by ClinVar (database versions not stated): gnomAD exomes below 0.00001; TOPMed 0.00001; 1000 Genomes Project 0.00020; ExAC 0.00002; gnomAD 0.00002; 1000 Genomes Project 30x 0.00016.
gnomAD v4.1: 10 of 1,614,064 alleles (0.00062%); highest among the groups gnomAD compares: African/African-American, 0.0053%; no homozygotes.

Submission:

Labcorp Genetics (formerly Invitae), Labcorp
Classification: Uncertain significance. Last evaluated: 2025-03-18. Review status: criteria provided, single submitter. Criteria: Invitae Variant Classification Sherloc (09022015). Collection method: clinical testing. Allele origin: germline.
Comment: This sequence change replaces aspartic acid, which is acidic and polar, with asparagine, which is neutral and polar, at codon 157 of the FBLN5 protein (p.Asp157Asn). This variant is present in population databases (rs533006363, gnomAD 0.007%). This variant has not been reported in the literature in individuals affected with FBLN5-related conditions. ClinVar contains an entry for this variant (Variation ID: 2905676). Invitae Evidence Modeling of protein sequence and biophysical properties (such as structural, functional, and spatial information, amino acid conservation, physicochemical variation, residue mobility, and thermodynamic stability) indicates that this missense variant is not expected to disrupt FBLN5 protein function with a negative predictive value of 80%. In summary, the available evidence is currently insufficient to determine the role of this variant in disease. Therefore, it has been classified as a Variant of Uncertain Significance.

NM_006329.4(FBLN5):c.469G>A (p.Asp157Asn)

Gene: FBLN5 (fibulin 5; minus strand). Cytogenetic location: 14q32.12.
Variant type: single nucleotide variant.
Coding change: c.469G>A on transcript NM_006329.4 (MANE Select); coding-DNA position 469, G replaced by A.
Protein change: p.Asp157Asn; replaces aspartic acid 157 with asparagine.
Molecular consequence: missense variant.
Genome position (GRCh38, 1-based): chr14:91,894,983, C>T on the plus strand (G>A on the coding strand, the complement: FBLN5 is on the minus strand). VCF-style: chr14-91894983-C-T. GRCh37 (hg19) VCF-style: chr14-92361327-C-T.
Other names: c.592G>A, p.Asp198Asn (NM_001384158.1); c.520G>A, p.Asp174Asn (NM_001384159.1); c.469G>A, p.Asp157Asn (NM_001384160.1); c.301G>A, p.Asp101Asn (NM_001384161.1, NM_001384162.1); short protein forms D101N, D157N, D198N, D174N.
Identifiers: ClinVar variation 2905676 (VCV002905676.3), dbSNP rs533006363, ClinGen allele CA7312843.
Genomic context (GRCh38, chr14:91,894,983, plus strand): 5'-CCTGTGACCCCCCCAGAGAGCTGTTACCTAAGCACTGGCCTTCCAGAAGCCAATATCCGT[C>T]GGTGCAGGAGCAGGTGTACCCGCCTTCAGTATTGATGCAGATCTGGGTGGGGTTGCACTG-3'
Protein context (NP_006320.2, residues 147-167): TEGGYTCSCT[Asp157Asn]GYWLLEGQCL